The following is an entry in ClinVar:

NM_001365536.1(SCN9A):c.944G>A (p.Cys315Tyr)

Genes: SCN9A (sodium voltage-gated channel alpha subunit 9; minus strand), SCN1A-AS1 (SCN1A and SCN9A antisense RNA 1; plus strand). Cytogenetic location: 2q24.3.
Variant type: single nucleotide variant.
Coding change: c.944G>A on transcript NM_001365536.1 (MANE Select); coding-DNA position 944, G replaced by A.
Protein change: p.Cys315Tyr; replaces cysteine 315 with tyrosine.
Molecular consequence: missense variant. On other transcripts: non-coding transcript variant (1).
Genome position (GRCh38, 1-based): chr2:166,294,620, C>T on the plus strand (G>A on the coding strand, the complement: SCN9A is on the minus strand). VCF-style: chr2-166294620-C-T. GRCh37 (hg19) VCF-style: chr2-167151130-C-T.
Other names: c.944G>A, p.Cys315Tyr (NM_002977.4); short protein forms C315Y.
Identifiers: ClinVar variation 566635 (VCV000566635.7), dbSNP rs1559020764, ClinGen allele CA349089685.
Genomic context (GRCh38, chr2:166,294,620, plus strand): 5'-TTCAGCCTTTAGACTAAAAAGAAAACAAATATTACATACCCTGAATCTGTGCTGAAACCA[C>T]AAAGGAGAGCATCTTTGGATCCTTCCAAGTAATAAAAATATTCTGTTGAAGAAGAATTTG-3'
Protein context (NP_001352465.1, residues 305-325): YLEGSKDALL[Cys315Tyr]GFSTDSGQCP

ClinVar aggregate classification (germline): Uncertain significance (1 of 4 stars; one submission).

Conditions:
Neuropathy, hereditary sensory and autonomic, type 2A (HSAN2A). Also called: ACROOSTEOLYSIS, GIACCAI TYPE; ACROOSTEOLYSIS, NEUROGENIC; MORVAN DISEASE; NEUROPATHY, CONGENITAL SENSORY; NEUROPATHY, HEREDITARY SENSORY RADICULAR, AUTOSOMAL RECESSIVE; NEUROPATHY, HEREDITARY SENSORY, TYPE IIA. Identifiers: Orphanet 970, MedGen C2752089, MONDO:0024309, OMIM 201300.
Generalized epilepsy with febrile seizures plus, type 7 (GEFSP7). Also called: GEFS+, TYPE 7. Identifiers: Orphanet 36387, MedGen C2751778, MONDO:0013470, OMIM 613863.

Submission:

Labcorp Genetics (formerly Invitae), Labcorp
Classification: Uncertain significance for Neuropathy, hereditary sensory and autonomic, type 2A; Generalized epilepsy with febrile seizures plus, type 7. Last evaluated: 2018-04-09. Review status: criteria provided, single submitter. Criteria: Invitae Variant Classification Sherloc (09022015). Collection method: clinical testing. Allele origin: germline.
Comment: In summary, the available evidence is currently insufficient to determine the role of this variant in disease. Therefore, it has been classified as a Variant of Uncertain Significance. Algorithms developed to predict the effect of missense changes on protein structure and function (SIFT, PolyPhen-2, Align-GVGD) all suggest that this variant is likely to be disruptive, but these predictions have not been confirmed by published functional studies and their clinical significance is uncertain. This variant has not been reported in the literature in individuals with SCN9A-related disease. This variant is not present in population databases (ExAC no frequency). This sequence change replaces cysteine with tyrosine at codon 315 of the SCN9A protein (p.Cys315Tyr). The cysteine residue is highly conserved and there is a large physicochemical difference between cysteine and tyrosine.